The following is an entry in ClinVar:

ClinVar aggregate classification (germline): Pathogenic/Likely pathogenic. Review status: criteria provided, multiple submitters, no conflicts (2 of 4 stars). 2 submissions from 2 submitters: Pathogenic (1); Likely pathogenic (1). Last evaluated 2024-09-08.

Conditions:
Familial dysautonomia. Also called: FD; HSAN III. Identifiers: Orphanet 1764, MedGen C0013364, MONDO:0009131, OMIM 223900. Disease mechanism: loss of function.

Allele frequency attached by ClinVar (database versions not stated): gnomAD exomes below 0.00001; TOPMed below 0.00001.

Submissions (2):

Natera, Inc.
Classification: Likely pathogenic for Familial dysautonomia. Last evaluated: 2024-09-08. Review status: criteria provided, single submitter. Criteria: Natera Variant Classification Schema (03/2026). Collection method: clinical testing. Allele origin: germline.
Comment: The c.3714dup variant in ELP1 is a frameshift variant predicted to shift the reading frame beginning at codon 1239 and leads to a stop codon 9 codons downstream. This variant is expected to result in nonsense mediated decay, truncation, or a dysfunctional protein product. This variant is rare in the general population with a frequency below the threshold expected for the associated phenotype(s). Given the available evidence, this variant is classified as Likely Pathogenic.

Labcorp Genetics (formerly Invitae), Labcorp
Classification: Pathogenic. Last evaluated: 2024-01-15. Review status: criteria provided, single submitter. Criteria: Invitae Variant Classification Sherloc (09022015). Collection method: clinical testing. Allele origin: germline.
Comment: This sequence change creates a premature translational stop signal (p.Ile1239Tyrfs*9) in the ELP1 gene. It is expected to result in an absent or disrupted protein product. Loss-of-function variants in ELP1 are known to be pathogenic (PMID: 18303054, 24173031). This variant is not present in population databases (gnomAD no frequency). This variant has not been reported in the literature in individuals affected with ELP1-related conditions. ClinVar contains an entry for this variant (Variation ID: 1459836). For these reasons, this variant has been classified as Pathogenic.

Literature cited by the submitters: PubMed 18303054 (cited by Labcorp Genetics (formerly Invitae), Labcorp); PubMed 24173031 (cited by Labcorp Genetics (formerly Invitae), Labcorp).

NM_003640.5(ELP1):c.3714dup (p.Ile1239fs)

Gene: ELP1 (elongator acetyltransferase complex subunit 1; minus strand). Cytogenetic location: 9q31.3.
Variant type: Duplication.
Coding change: c.3714dup on transcript NM_003640.5 (MANE Select); coding-DNA position 3714, one base duplicated (T; older notation c.3714dupT).
Protein change: p.Ile1239fs; shifts the reading frame from isoleucine 1239.
Molecular consequence: frameshift variant.
Genome position (GRCh38, 1-based): chr9:108,878,136, A duplicated on the plus strand (T on the coding strand, the reverse complement: ELP1 is on the minus strand). VCF-style (leftmost placement, unchanged base first): chr9-108878135-T-TA. GRCh37 (hg19) VCF-style: chr9-111640415-T-TA.
Other names: c.3372dup, p.Ile1125fs (NM_001318360.2); c.2667dup, p.Ile890fs (NM_001330749.2); c.3714dup (NM_003640.4); short protein forms I890fs, I1239fs, I1125fs.
Identifiers: ClinVar variation 1459836 (VCV001459836.7), dbSNP rs1827772289, ClinGen allele CA1871326680.